The following is an entry in ClinVar:

NM_001008537.3(NEXMIF):c.3334del (p.Ile1112fs)

Gene: NEXMIF (neurite extension and migration factor; minus strand). Cytogenetic location: Xq13.3.
Variant type: Deletion.
Coding change: c.3334del on transcript NM_001008537.3 (MANE Select); coding-DNA position 3334, one base deleted (A; older notation c.3334delA).
Protein change: p.Ile1112fs; shifts the reading frame from isoleucine 1112.
Molecular consequence: frameshift variant.
Genome position (GRCh38, 1-based): chrX:74,741,223, T deleted on the plus strand (A on the coding strand, the reverse complement: NEXMIF is on the minus strand); the first of 6 consecutive T bases (chrX:74,741,223-74,741,228); deleting any one gives the same sequence. VCF-style (leftmost placement, unchanged base first): chrX-74741222-AT-A. GRCh37 (hg19) VCF-style: chrX-73961057-AT-A.
Other names: short protein forms I1112fs.
Identifiers: ClinVar variation 581020 (VCV000581020.7), dbSNP rs1569335135, ClinGen allele CA891844473.

ClinVar aggregate classification (germline): Pathogenic (1 of 4 stars; one submission).

Submission:

Labcorp Genetics (formerly Invitae), Labcorp
Classification: Pathogenic. Last evaluated: 2022-02-05. Review status: criteria provided, single submitter. Criteria: Invitae Variant Classification Sherloc (09022015). Collection method: clinical testing. Allele origin: germline.
Comment: For these reasons, this variant has been classified as Pathogenic. ClinVar contains an entry for this variant (Variation ID: 581020). This variant has not been reported in the literature in individuals affected with KIAA2022-related conditions. This variant is not present in population databases (gnomAD no frequency). This sequence change creates a premature translational stop signal (p.Ile1112Serfs*20) in the KIAA2022 gene. It is expected to result in an absent or disrupted protein product. Loss-of-function variants in KIAA2022 are known to be pathogenic (PMID: 23615299).

Literature cited by the submitters: PubMed 23615299.